The following is an entry in ClinVar:

ClinVar aggregate classification (germline): Uncertain significance (1 of 4 stars; one submission).

Conditions:
Hypercholanemia, familial 1 (FHCA1). Identifiers: Orphanet 238475, MedGen C5542604, MONDO:0031446, OMIM 607748.
Cholestasis, progressive familial intrahepatic, 4. Identifiers: Orphanet 480483, Orphanet 79304, MedGen C2931067, MONDO:0014381, OMIM 615878.

Submission:

Juno Genomics, Hangzhou Juno Genomics, Inc
Classification: Uncertain significance for Cholestasis, progressive familial intrahepatic, 4; Hypercholanemia, familial 1. Review status: criteria provided, single submitter. Criteria: ACMG Guidelines, 2015. Collection method: clinical testing. Allele origin: germline. Affected: yes.
Comment: Absent from controls (or at extremely low frequency if recessive) in Genome Aggregation Database, Exome Sequencing Project, 1000 Genomes Project, or Exome Aggregation Consortium.;Protein length changes due to in-frame deletions/insertions in a non-repeat region or stop-loss variants.;For recessive disorders, detected in trans with a pathogenic variant.

NM_004817.4(TJP2):c.1649AAG[1] (p.Glu551del)

Gene: TJP2 (tight junction protein 2; plus strand). Cytogenetic location: 9q21.11.
Variant type: Microsatellite.
Coding change: c.1649AAG[1] on transcript NM_004817.4 (MANE Select); one copy of the 3-base unit AAG starting at c.1649; the reference has two copies in a row; one copy, 3 bases deleted; also written c.1652_1654del.
Protein change: p.Glu551del; deletes glutamic acid 551.
Molecular consequence: inframe deletion.
Genome position (GRCh38, 1-based): chr9:69,230,213-69,230,215, AAG deleted; deleting any 3 consecutive bases within chr9:69,230,210-69,230,215 gives the same sequence; the position shown is the placement nearest the transcript's 3' end. VCF-style (leftmost placement, unchanged base first): chr9-69230209-CAAG-C. GRCh37 (hg19) VCF-style: chr9-71845125-CAAG-C.
Other names: c.1580AAG[1], p.Glu528del (NM_001170414.2, NM_001369871.1); c.1661AAG[1], p.Glu555del (NM_001170415.1, NM_001369874.1, NM_001369875.1); c.1742AAG[1], p.Glu582del (NM_001170416.2); c.1574AAG[1], p.Glu526del (NM_001369870.1); c.1649AAG[1], p.Glu551del (NM_001369872.1, NM_001369873.1, NM_201629.3); c.1652_1654del (NM_004817.4); short protein forms E526del, E528del, E551del, E555del, E582del.
Identifiers: ClinVar variation 3382764 (VCV003382764.2).